The following is an entry in ClinVar:

NM_001904.4(CTNNB1):c.696T>A (p.Phe232Leu)

Genes: CTNNB1 (catenin beta 1; plus strand), LOC126806658 (BRD4-independent group 4 enhancer GRCh37_chr3:41265899-41267098; plus strand). Cytogenetic location: 3p22.1.
Variant type: single nucleotide variant.
Coding change: c.696T>A on transcript NM_001904.4 (MANE Select); coding-DNA position 696, T replaced by A.
Protein change: p.Phe232Leu; replaces phenylalanine 232 with leucine.
Molecular consequence: missense variant.
Genome position (GRCh38, 1-based): chr3:41,225,534, T>A. VCF-style: chr3-41225534-T-A. GRCh37 (hg19) VCF-style: chr3-41267025-T-A.
Other names: c.696T>A, p.Phe232Leu (NM_001098209.2, NM_001098210.2); c.675T>A, p.Phe225Leu (NM_001330729.2); short protein forms F232L, F225L.
Identifiers: ClinVar variation 3646115 (VCV003646115.2).

ClinVar aggregate classification (germline): Uncertain significance (1 of 4 stars; one submission).

Submission:

Labcorp Genetics (formerly Invitae), Labcorp
Classification: Uncertain significance. Last evaluated: 2025-03-31. Review status: criteria provided, single submitter. Criteria: Invitae Variant Classification Sherloc (09022015). Collection method: clinical testing. Allele origin: germline.
Comment: This sequence change replaces phenylalanine, which is neutral and non-polar, with leucine, which is neutral and non-polar, at codon 232 of the CTNNB1 protein (p.Phe232Leu). This variant is not present in population databases (gnomAD no frequency). This variant has not been reported in the literature in individuals affected with CTNNB1-related conditions. Invitae Evidence Modeling of protein sequence and biophysical properties (such as structural, functional, and spatial information, amino acid conservation, physicochemical variation, residue mobility, and thermodynamic stability) indicates that this missense variant is not expected to disrupt CTNNB1 protein function with a negative predictive value of 80%. In summary, the available evidence is currently insufficient to determine the role of this variant in disease. Therefore, it has been classified as a Variant of Uncertain Significance.